The following is an entry in ClinVar:

NM_000263.4(NAGLU):c.408C>A (p.Cys136Ter)

Gene: NAGLU (N-acetyl-alpha-glucosaminidase; plus strand). Cytogenetic location: 17q21.2.
Variant type: single nucleotide variant.
Coding change: c.408C>A on transcript NM_000263.4 (MANE Select); coding-DNA position 408, C replaced by A.
Protein change: p.Cys136Ter; replaces cysteine 136 with a stop codon.
Molecular consequence: nonsense.
Genome position (GRCh38, 1-based): chr17:42,537,422, C>A. VCF-style: chr17-42537422-C-A. GRCh37 (hg19) VCF-style: chr17-40689440-C-A.
Other names: short protein forms C136*.
Identifiers: ClinVar variation 2941785 (VCV002941785.3), dbSNP rs750741772, ClinGen allele CA399598023.
Genomic context (GRCh38, chr17:42,537,422, plus strand): 5'-GGTGGGATGCGCCCCTGCTCATGACACTGCCCGCAGGTACCGCTATTACCAGAATGTGTG[C>A]ACGCAAAGCTACTCTTTCGTGTGGTGGGACTGGGCCCGCTGGGAGCGAGAGATAGACTGG-3'

ClinVar aggregate classification (germline): Pathogenic (1 of 4 stars; one submission).

Conditions:
Charcot-Marie-Tooth disease axonal type 2V. Also called: CHARCOT-MARIE-TOOTH NEUROPATHY, TYPE 2V; CHARCOT-MARIE-TOOTH DISEASE, AXONAL, AUTOSOMAL DOMINANT, TYPE 2V. Identifiers: Orphanet 447964, MedGen C5569050, MONDO:0014665, OMIM 616491.
Mucopolysaccharidosis, MPS-III-B (MPS3B). Also called: N-ACETYL-ALPHA-D-GLUCOSAMINIDASE DEFICIENCY; NAGLU DEFICIENCY; SANFILIPPO SYNDROME B; MPS III B; Mucopolysaccharidosis type IIIB (Sanfilippo B); MUCOPOLYSACCHARIDOSIS, TYPE IIIB. Identifiers: Orphanet 79270, MedGen C0086648, MONDO:0009656, OMIM 252920.

gnomAD v4.1: 1 of 1,614,176 alleles (0.000062%); highest among the groups gnomAD compares: East Asian, 0.0022%; no homozygotes.

Submission:

Labcorp Genetics (formerly Invitae), Labcorp
Classification: Pathogenic for Charcot-Marie-Tooth disease axonal type 2V; Mucopolysaccharidosis, MPS-III-B. Last evaluated: 2023-10-22. Review status: criteria provided, single submitter. Criteria: Invitae Variant Classification Sherloc (09022015). Collection method: clinical testing. Allele origin: germline.
Comment: This sequence change creates a premature translational stop signal (p.Cys136*) in the NAGLU gene. It is expected to result in an absent or disrupted protein product. Loss-of-function variants in NAGLU are known to be pathogenic (PMID: 9832037, 10094189, 16151907). This variant is not present in population databases (gnomAD no frequency). This variant has not been reported in the literature in individuals affected with NAGLU-related conditions. For these reasons, this variant has been classified as Pathogenic.

Literature cited by the submitters: PubMed 9832037; PubMed 10094189; PubMed 16151907.